The following is an entry in ClinVar:

NM_000048.4(ASL):c.890G>A (p.Arg297Gln)

Gene: ASL (argininosuccinate lyase; plus strand). Cytogenetic location: 7q11.21.
Variant type: single nucleotide variant.
Coding change: c.890G>A on transcript NM_000048.4 (MANE Select); coding-DNA position 890, G replaced by A.
Protein change: p.Arg297Gln; replaces arginine 297 with glutamine.
Molecular consequence: missense variant.
Genome position (GRCh38, 1-based): chr7:66,089,147, G>A. VCF-style: chr7-66089147-G-A. GRCh37 (hg19) VCF-style: chr7-65554134-G-A.
Other names: c.890G>A, p.Arg297Gln (NM_001024943.2, NM_001024944.2); c.812G>A, p.Arg271Gln (NM_001024946.2); short protein forms R297Q, R271Q.
Identifiers: ClinVar variation 554299 (VCV000554299.6), dbSNP rs750431938, ClinGen allele CA4277165.

ClinVar aggregate classification (germline): Likely pathogenic. Review status: criteria provided, multiple submitters, no conflicts (2 of 4 stars). 3 submissions from 3 submitters: Likely pathogenic (2). 1 of the submissions does not count toward it. Last evaluated 2024-12-03.

Conditions:
Argininosuccinate lyase deficiency. Also called: ARGININOSUCCINIC ACID LYASE DEFICIENCY; ASL DEFICIENCY; Argininosuccinic aciduria. Identifiers: Orphanet 23, MedGen C0268547, MONDO:0008815, OMIM 207900, HP:0025630.

Allele frequency attached by ClinVar (database versions not stated): ExAC 0.00001; gnomAD exomes 0.00001; TOPMed 0.00001.

Submissions (3):

Women's Health and Genetics/Laboratory Corporation of America, LabCorp
Classification: Likely pathogenic for Argininosuccinate lyase deficiency. Last evaluated: 2024-12-03. Review status: criteria provided, single submitter. Criteria: LabCorp Variant Classification Summary - May 2015. Collection method: clinical testing. Allele origin: germline.
Comment: Variant summary: ASL c.890G>A (p.Arg297Gln) results in a conservative amino acid change in the encoded protein sequence. Three of five in-silico tools predict a damaging effect of the variant on protein function. The variant allele was found at a frequency of 8e-06 in 250734 control chromosomes (gnomAD). c.890G>A has been reported in the literature in individuals affected with argininosuccinic aciduria (example: Trevisson_2009, Gorukmez_2023) . These data indicate that the variant may be associated with disease. In a yeast-based functional complementation assay, the variant showed reduced activity (example: Trevisson_2009). The following publications have been ascertained in the context of this evaluation (PMID: 24166829, 36964972, 19703900). ClinVar contains an entry for this variant (Variation ID: 554299). Based on the evidence outlined above, the variant was classified as likely pathogenic.

Labcorp Genetics (formerly Invitae), Labcorp
Classification: Likely pathogenic for Argininosuccinate lyase deficiency. Last evaluated: 2023-09-15. Review status: criteria provided, single submitter. Criteria: Invitae Variant Classification Sherloc (09022015). Collection method: clinical testing. Allele origin: germline.
Comment: In summary, the currently available evidence indicates that the variant is pathogenic, but additional data are needed to prove that conclusively. Therefore, this variant has been classified as Likely Pathogenic. This variant disrupts the p.Arg297 amino acid residue in ASL. Other variant(s) that disrupt this residue have been observed in individuals with ASL-related conditions (PMID: 12384776), which suggests that this may be a clinically significant amino acid residue. Experimental studies have shown that this missense change affects ASL function (PMID: 19703900). Advanced modeling of protein sequence and biophysical properties (such as structural, functional, and spatial information, amino acid conservation, physicochemical variation, residue mobility, and thermodynamic stability) performed at Invitae indicates that this missense variant is expected to disrupt ASL protein function. ClinVar contains an entry for this variant (Variation ID: 554299). This missense change has been observed in individual(s) with argininosuccinate lyase deficiency (PMID: 19703900). This variant is present in population databases (rs750431938, gnomAD 0.002%). This sequence change replaces arginine, which is basic and polar, with glutamine, which is neutral and polar, at codon 297 of the ASL protein (p.Arg297Gln).

Counsyl
Classification: Uncertain significance for Argininosuccinate lyase deficiency. Last evaluated: 2017-10-24. Review status: no assertion criteria provided. Collection method: clinical testing. Allele origin: unknown. Not counted in ClinVar's aggregate classification.

Literature cited by the submitters: PubMed 24166829 (cited by Women's Health and Genetics/Laboratory Corporation of America, LabCorp); PubMed 19703900 (cited by 3 submitters); PubMed 36964972 (cited by Women's Health and Genetics/Laboratory Corporation of America, LabCorp); PubMed 12384776 (cited by Labcorp Genetics (formerly Invitae), Labcorp).